The following is an entry in ClinVar:

ClinVar aggregate classification (germline): Uncertain significance (1 of 4 stars; one submission).

Conditions:
Cohen syndrome (COH1). Also called: PEPPER SYNDROME; Cutis verticis gyrata, retinitis pigmentosa, and sensorineural deafness. Identifiers: Orphanet 193, MedGen C0265223, MONDO:0008999, OMIM 216550.

Allele frequency attached by ClinVar (database versions not stated): gnomAD 0.00001; gnomAD exomes 0.00001 and below 0.00001; TOPMed 0.00002; ExAC 0.00001.
gnomAD v4.1: 4 of 1,613,468 alleles (0.00025%); highest among the groups gnomAD compares: African/African-American, 0.0013%; no homozygotes.

Submission:

Labcorp Genetics (formerly Invitae), Labcorp
Classification: Uncertain significance for Cohen syndrome. Last evaluated: 2022-03-12. Review status: criteria provided, single submitter. Criteria: Invitae Variant Classification Sherloc (09022015). Collection method: clinical testing. Allele origin: germline.
Comment: This sequence change replaces methionine, which is neutral and non-polar, with threonine, which is neutral and polar, at codon 461 of the VPS13B protein (p.Met461Thr). This variant is present in population databases (rs754324907, gnomAD 0.002%). This variant has not been reported in the literature in individuals affected with VPS13B-related conditions. ClinVar contains an entry for this variant (Variation ID: 863783). Algorithms developed to predict the effect of missense changes on protein structure and function are either unavailable or do not agree on the potential impact of this missense change (SIFT: "Not Available"; PolyPhen-2: "Benign"; Align-GVGD: "Not Available"). In summary, the available evidence is currently insufficient to determine the role of this variant in disease. Therefore, it has been classified as a Variant of Uncertain Significance.

NM_152564.5(VPS13B):c.1382T>C (p.Met461Thr)

Gene: VPS13B (vacuolar protein sorting 13 homolog B; plus strand). Cytogenetic location: 8q22.2.
Variant type: single nucleotide variant.
Coding change: c.1382T>C on transcript NM_152564.5 (MANE Select); coding-DNA position 1382, T replaced by C.
Protein change: p.Met461Thr; replaces methionine 461 with threonine.
Molecular consequence: missense variant.
Genome position (GRCh38, 1-based): chr8:99,135,094, T>C. VCF-style: chr8-99135094-T-C. GRCh37 (hg19) VCF-style: chr8-100147322-T-C.
Other names: c.1382T>C, p.Met461Thr (NM_015243.3, NM_017890.5); short protein forms M461T.
Identifiers: ClinVar variation 863783 (VCV000863783.7), dbSNP rs754324907, ClinGen allele CA4822617.